The following is an entry in ClinVar:

NM_015409.5(EP400):c.2013G>A (p.Ala671=)

Gene: EP400 (E1A binding protein p400; plus strand). Cytogenetic location: 12q24.33.
Variant type: single nucleotide variant.
Coding change: c.2013G>A on transcript NM_015409.5 (MANE Select); coding-DNA position 2013, G replaced by A.
Protein change: p.Ala671=; no amino-acid change (alanine 671 retained).
Molecular consequence: synonymous variant.
Genome position (GRCh38, 1-based): chr12:131,986,597, G>A. VCF-style: chr12-131986597-G-A. GRCh37 (hg19) VCF-style: chr12-132471142-G-A.
Identifiers: ClinVar variation 3051473 (VCV003051473.2), dbSNP rs758712120, ClinGen allele CA6884921.

ClinVar aggregate classification (germline): Likely benign (0 of 4 stars; one submission).

Conditions:
EP400-related disorder. Also called: EP400-related condition.

Allele frequency attached by ClinVar (database versions not stated): gnomAD 0.00011; TOPMed 0.00015.
gnomAD v4.1: 253 of 1,613,672 alleles (0.016%); highest among the groups gnomAD compares: Non-Finnish European, 0.02%; no homozygotes.

Submission:

PreventionGenetics, part of Exact Sciences
Classification: Likely benign for EP400-related condition. Last evaluated: 2020-02-18. Review status: no assertion criteria provided. Collection method: clinical testing. Allele origin: germline.
Comment: This variant is classified as likely benign based on ACMG/AMP sequence variant interpretation guidelines (Richards et al. 2015 PMID: 25741868, with internal and published modifications).